The following is an entry in ClinVar:

NM_015346.4(ZFYVE26):c.1041AGA[2] (p.Glu349del)

Gene: ZFYVE26 (zinc finger FYVE-type containing 26; minus strand). Cytogenetic location: 14q24.1.
Variant type: Microsatellite.
Coding change: c.1041AGA[2] on transcript NM_015346.4 (MANE Select); two copies in a row of the 3-base unit AGA starting at c.1041; the reference has three copies in a row; one copy, 3 bases deleted.
Protein change: p.Glu349del; deletes glutamic acid 349.
Molecular consequence: inframe deletion.
Genome position (GRCh38, 1-based): chr14:67,805,587-67,805,589, TCT deleted on the plus strand (AGA on the coding strand, the reverse complement: ZFYVE26 is on the minus strand); deleting any 3 consecutive bases within chr14:67,805,587-67,805,596 gives the same sequence; the position shown is the placement nearest the transcript's 3' end. VCF-style (leftmost placement, unchanged base first): chr14-67805586-GTCT-G. GRCh37 (hg19) VCF-style: chr14-68272303-GTCT-G.
Other names: short protein forms E349del.
Identifiers: ClinVar variation 1520567 (VCV001520567.3), dbSNP rs758434974, ClinGen allele CA7240631.

ClinVar aggregate classification (germline): Uncertain significance (1 of 4 stars; one submission).

Conditions:
Spastic paraplegia. Identifiers: MedGen C0037772, HP:0001258.

Submission:

Labcorp Genetics (formerly Invitae), Labcorp
Classification: Uncertain significance for Spastic paraplegia. Last evaluated: 2021-12-02. Review status: criteria provided, single submitter. Criteria: Invitae Variant Classification Sherloc (09022015). Collection method: clinical testing. Allele origin: germline.
Comment: This variant, c.1047_1049del, results in the deletion of 1 amino acid(s) of the ZFYVE26 protein (p.Glu349del), but otherwise preserves the integrity of the reading frame. This variant is present in population databases (rs758434974, gnomAD 0.0009%). This variant has not been reported in the literature in individuals affected with ZFYVE26-related conditions. Experimental studies and prediction algorithms are not available or were not evaluated, and the functional significance of this variant is currently unknown. In summary, the available evidence is currently insufficient to determine the role of this variant in disease. Therefore, it has been classified as a Variant of Uncertain Significance.